The following is an entry in ClinVar:

ClinVar aggregate classification (germline): Conflicting classifications of pathogenicity. Review status: criteria provided, conflicting classifications (1 of 4 stars). 3 submissions from 3 submitters: Uncertain significance (1); Benign (1). 1 of the submissions does not count toward it. Last evaluated 2025-09-08.

Conditions:
COL5A1-related disorder. Also called: COL5A1-related condition.
Ehlers-Danlos syndrome, classic type, 1 (EDSCL1). Also called: EHLERS-DANLOS SYNDROME, GRAVIS TYPE; EHLERS-DANLOS SYNDROME, SEVERE CLASSIC TYPE; Ehlers-Danlos syndrome, type 1; EDS I; Ehlers-Danlos Syndrome, Classic Type, COL5A1-Related. Identifiers: MedGen C0268335, MONDO:0019567, OMIM 130000.

Allele frequency attached by ClinVar (database versions not stated): TOPMed 0.00003; gnomAD exomes below 0.00001; ExAC 0.00001; gnomAD 0.00001.
gnomAD v4.1: 9 of 1,614,054 alleles (0.00056%); highest among the groups gnomAD compares: Middle Eastern, 0.016%; no homozygotes.

Submissions (3):

Labcorp Genetics (formerly Invitae), Labcorp
Classification: Benign for Ehlers-Danlos syndrome, classic type, 1. Last evaluated: 2025-09-08. Review status: criteria provided, single submitter. Criteria: Invitae Variant Classification Sherloc (09022015). Collection method: clinical testing. Allele origin: germline.

Institute for Clinical Genetics, University Hospital TU Dresden, University Hospital TU Dresden
Classification: Uncertain significance. Last evaluated: 2021-11-03. Review status: criteria provided, single submitter. Criteria: ACMG Guidelines, 2015. Collection method: clinical testing. Allele origin: germline.

PreventionGenetics, part of Exact Sciences
Classification: Uncertain significance for COL5A1-related condition. Last evaluated: 2024-02-02. Review status: no assertion criteria provided. Collection method: clinical testing. Allele origin: germline. Not counted in ClinVar's aggregate classification.
Comment: The COL5A1 c.4750C>T variant is predicted to result in the amino acid substitution p.Arg1584Trp. To our knowledge, this variant has not been reported in the literature. This variant is reported in 0.0062% of alleles in individuals of African descent in gnomAD. At this time, the clinical significance of this variant is uncertain due to the absence of conclusive functional and genetic evidence.

NM_000093.5(COL5A1):c.4750C>T (p.Arg1584Trp)

Genes: COL5A1 (collagen type V alpha 1 chain; plus strand), LOC101448202 (uncharacterized LOC101448202; minus strand). Cytogenetic location: 9q34.3.
Variant type: single nucleotide variant.
Coding change: c.4750C>T on transcript NM_000093.5 (MANE Select); coding-DNA position 4750, C replaced by T.
Protein change: p.Arg1584Trp; replaces arginine 1584 with tryptophan.
Molecular consequence: missense variant.
Genome position (GRCh38, 1-based): chr9:134,824,651, C>T. VCF-style: chr9-134824651-C-T. GRCh37 (hg19) VCF-style: chr9-137716497-C-T.
Other names: c.4750C>T (NM_000093.4); c.4750C>T, p.Arg1584Trp (NM_001278074.1); short protein forms R1584W.
Identifiers: ClinVar variation 1319256 (VCV001319256.8), dbSNP rs758378927, ClinGen allele CA5320467.